The following is an entry in ClinVar:

ClinVar aggregate classification (germline): Pathogenic (1 of 4 stars; one submission).

Conditions:
Inborn genetic diseases. Identifiers: MedGen C0950123, MeSH D030342.

Submission:

Ambry Genetics
Classification: Pathogenic for Inborn genetic diseases. Last evaluated: 2025-07-11. Review status: criteria provided, single submitter. Criteria: Ambry Variant Classification Scheme 2023. Collection method: clinical testing. Allele origin: germline.
Comment: The c.5591_5592delAG (p.E1864Afs*36) alteration, located in exon 20 (coding exon 20) of the ARID1A gene, consists of a deletion of 2 nucleotides from position 5591 to 5592, causing a translational frameshift with a predicted alternate stop codon after 36 amino acids. This variant is not expected to trigger nonsense-mediated mRNA decay and impacts the last 18.5% of the protein. Premature stop codons are typically deleterious in nature, the impacted region is critical for protein function, and a significant portion of the protein is affected (Ambry internal data). This variant was not reported in population-based cohorts in the Genome Aggregation Database (gnomAD). Based on the available evidence, this alteration is classified as pathogenic.

NM_006015.6(ARID1A):c.5591_5592del (p.Glu1864fs)

Gene: ARID1A (AT-rich interaction domain 1A; plus strand). Cytogenetic location: 1p36.11.
Variant type: Microsatellite.
Coding change: c.5591_5592del on transcript NM_006015.6 (MANE Select); coding-DNA positions 5591 to 5592, 2 bases deleted (AG; older notation c.5591_5592delAG).
Protein change: p.Glu1864fs; shifts the reading frame from glutamic acid 1864.
Molecular consequence: frameshift variant.
Genome position (GRCh38, 1-based): chr1:26,779,489-26,779,490, AG deleted; deleting any 2 consecutive bases within chr1:26,779,487-26,779,490 gives the same sequence; the c. name uses the placement nearest the transcript's 3' end. VCF-style (leftmost placement, unchanged base first): chr1-26779486-CAG-C. GRCh37 (hg19) VCF-style: chr1-27105977-CAG-C.
Other names: c.5589_5590AG[1], p.Glu1864Alafs (NM_006015.4); c.4940_4941del, p.Glu1647fs (NM_139135.4); c.5591_5592delAG (NM_006015.4); short protein forms E1864fs, E1647fs.
Identifiers: ClinVar variation 4143298 (VCV004143298.1).